The following is an entry in ClinVar:

NM_001793.6(CDH3):c.1222G>A (p.Val408Ile)

Gene: CDH3 (cadherin 3; plus strand). Cytogenetic location: 16q22.1.
Variant type: single nucleotide variant.
Coding change: c.1222G>A on transcript NM_001793.6 (MANE Select); coding-DNA position 1222, G replaced by A.
Protein change: p.Val408Ile; replaces valine 408 with isoleucine.
Molecular consequence: missense variant.
Genome position (GRCh38, 1-based): chr16:68,684,622, G>A. VCF-style: chr16-68684622-G-A. GRCh37 (hg19) VCF-style: chr16-68718525-G-A.
Other names: c.1222G>A (NM_001793.4); c.1222G>A, p.Val408Ile (NM_001317195.3); c.1057G>A, p.Val353Ile (NM_001317196.2); short protein forms V408I, V353I.
Identifiers: ClinVar variation 500344 (VCV000500344.13), dbSNP rs145486898, ClinGen allele CA8129300.

ClinVar aggregate classification (germline): Uncertain significance. Review status: criteria provided, multiple submitters, no conflicts (2 of 4 stars). 4 submissions from 4 submitters: Uncertain significance (4). Last evaluated 2025-01-15.

Conditions:
Inborn genetic diseases. Identifiers: MedGen C0950123, MeSH D030342.

Allele frequency attached by ClinVar (database versions not stated): ExAC 0.00010; gnomAD exomes 0.00012 and 0.00016; ESP Exome Variant Server 0.00015; 1000 Genomes Project 30x 0.00016; 1000 Genomes Project 0.00020; gnomAD 0.00030 and 0.00031; TOPMed 0.00054.
gnomAD v4.1: 221 of 1,614,154 alleles (0.014%); highest among the groups gnomAD compares: Admixed American, 0.088%; no homozygotes.

Submissions (4):

Labcorp Genetics (formerly Invitae), Labcorp
Classification: Uncertain significance. Last evaluated: 2025-01-15. Review status: criteria provided, single submitter. Criteria: Invitae Variant Classification Sherloc (09022015). Collection method: clinical testing. Allele origin: germline.
Comment: This sequence change replaces valine, which is neutral and non-polar, with isoleucine, which is neutral and non-polar, at codon 408 of the CDH3 protein (p.Val408Ile). This variant is present in population databases (rs145486898, gnomAD 0.03%). This variant has not been reported in the literature in individuals affected with CDH3-related conditions. ClinVar contains an entry for this variant (Variation ID: 500344). Invitae Evidence Modeling of protein sequence and biophysical properties (such as structural, functional, and spatial information, amino acid conservation, physicochemical variation, residue mobility, and thermodynamic stability) indicates that this missense variant is not expected to disrupt CDH3 protein function with a negative predictive value of 80%. In summary, the available evidence is currently insufficient to determine the role of this variant in disease. Therefore, it has been classified as a Variant of Uncertain Significance.

Ambry Genetics
Classification: Uncertain significance for Inborn genetic diseases. Last evaluated: 2024-12-17. Review status: criteria provided, single submitter. Criteria: Ambry Variant Classification Scheme 2023. Collection method: clinical testing. Allele origin: germline.

Blueprint Genetics
Classification: Uncertain significance. Last evaluated: 2022-09-27. Review status: criteria provided, single submitter. Criteria: ACMG Guidelines, 2015. Collection method: clinical testing. Allele origin: germline.

Eurofins Ntd Llc (ga)
Classification: Uncertain significance. Last evaluated: 2017-03-29. Review status: criteria provided, single submitter. Criteria: EGL Classification Definitions 2015. Collection method: clinical testing. Allele origin: germline. Observed: 1 variant allele, 1 heterozygote.